The following is an entry in ClinVar:

NM_000057.4(BLM):c.649C>G (p.Gln217Glu)

Gene: BLM (BLM RecQ like helicase; plus strand). Cytogenetic location: 15q26.1.
Variant type: single nucleotide variant.
Coding change: c.649C>G on transcript NM_000057.4 (MANE Select); coding-DNA position 649, C replaced by G.
Protein change: p.Gln217Glu; replaces glutamine 217 with glutamic acid.
Molecular consequence: missense variant. On other transcripts: 5 prime UTR variant (1).
Genome position (GRCh38, 1-based): chr15:90,749,917, C>G. VCF-style: chr15-90749917-C-G. GRCh37 (hg19) VCF-style: chr15-91293147-C-G.
Other names: c.649C>G, p.Gln217Glu (NM_001287246.2, NM_001287247.2); c.-643C>G (NM_001287248.2); short protein forms Q217E.
Identifiers: ClinVar variation 3662353 (VCV003662353.2).

ClinVar aggregate classification (germline): Uncertain significance (1 of 4 stars; one submission).

Conditions:
Bloom syndrome (BLM). Also called: Bloom-Torre-Machacek syndrome. Identifiers: Orphanet 125, MedGen C0005859, MONDO:0008876, OMIM 210900.

Submission:

Labcorp Genetics (formerly Invitae), Labcorp
Classification: Uncertain significance for Bloom syndrome. Last evaluated: 2024-08-14. Review status: criteria provided, single submitter. Criteria: Invitae Variant Classification Sherloc (09022015). Collection method: clinical testing. Allele origin: germline.
Comment: This sequence change replaces glutamine, which is neutral and polar, with glutamic acid, which is acidic and polar, at codon 217 of the BLM protein (p.Gln217Glu). This variant is not present in population databases (gnomAD no frequency). This variant has not been reported in the literature in individuals affected with BLM-related conditions. An algorithm developed to predict the effect of missense changes on protein structure and function (PolyPhen-2) suggests that this variant is likely to be tolerated. In summary, the available evidence is currently insufficient to determine the role of this variant in disease. Therefore, it has been classified as a Variant of Uncertain Significance.